The following is an entry in ClinVar:

NM_000219.6(KCNE1):c.116A>T (p.Asp39Val)

Gene: KCNE1 (potassium voltage-gated channel subfamily E regulatory subunit 1; minus strand). Cytogenetic location: 21q22.12.
Variant type: single nucleotide variant.
Coding change: c.116A>T on transcript NM_000219.6 (MANE Select); coding-DNA position 116, A replaced by T.
Protein change: p.Asp39Val; replaces aspartic acid 39 with valine.
Molecular consequence: missense variant.
Genome position (GRCh38, 1-based): chr21:34,449,519, T>A on the plus strand (A>T on the coding strand, the complement: KCNE1 is on the minus strand). VCF-style: chr21-34449519-T-A. GRCh37 (hg19) VCF-style: chr21-35821817-T-A.
Other names: c.116A>T, p.Asp39Val (NM_001127668.4, NM_001127669.4, NM_001127670.4 and 4 more transcripts); short protein forms D39V.
Identifiers: ClinVar variation 3374087 (VCV003374087.2).

Conditions:
Long QT syndrome 5 (LQT5). Identifiers: Orphanet 101016, Orphanet 768, MedGen C1867904, MONDO:0013372, OMIM 613695.

Submission:

Roden Lab, Vanderbilt University Medical Center
No classification provided (evidence only). Condition: Long QT syndrome 5. Review status: no classification provided. Collection method: in vitro. Allele origin: not applicable. Functional consequence: Effect on ion channel function.
ClinVar note: "not provided" was previously submitted as the classification for the variant. However, the classification appeared to be based only on an observation of functional data so it was converted to no classification on 2025-07-30.